The following is an entry in ClinVar:

ClinVar aggregate classification (germline): Uncertain significance (1 of 4 stars; one submission).

Allele frequency attached by ClinVar (database versions not stated): TOPMed below 0.00001; gnomAD 0.00001.
gnomAD v4.1: 5 of 1,612,844 alleles (0.00031%); highest among the groups gnomAD compares: Non-Finnish European, 0.00042%; no homozygotes.

Submission:

Labcorp Genetics (formerly Invitae), Labcorp
Classification: Uncertain significance. Last evaluated: 2021-10-05. Review status: criteria provided, single submitter. Criteria: Invitae Variant Classification Sherloc (09022015). Collection method: clinical testing. Allele origin: germline.
Comment: In summary, the available evidence is currently insufficient to determine the role of this variant in disease. Therefore, it has been classified as a Variant of Uncertain Significance. Algorithms developed to predict the effect of missense changes on protein structure and function are either unavailable or do not agree on the potential impact of this missense change (SIFT: "Deleterious"; PolyPhen-2: "Probably Damaging"; Align-GVGD: "Class C0"). This variant has not been reported in the literature in individuals affected with CHRM2-related conditions. This variant is not present in population databases (ExAC no frequency). This sequence change replaces leucine with isoleucine at codon 455 of the CHRM2 protein (p.Leu455Ile). The leucine residue is highly conserved and there is a small physicochemical difference between leucine and isoleucine.

NM_001006630.2(CHRM2):c.1363C>A (p.Leu455Ile)

Genes: CHRM2 (cholinergic receptor muscarinic 2; plus strand), LOC349160 (uncharacterized LOC349160; minus strand). Cytogenetic location: 7q33.
Variant type: single nucleotide variant.
Coding change: c.1363C>A on transcript NM_001006630.2 (MANE Select); coding-DNA position 1363, C replaced by A.
Protein change: p.Leu455Ile; replaces leucine 455 with isoleucine.
Molecular consequence: missense variant.
Genome position (GRCh38, 1-based): chr7:137,016,228, C>A. VCF-style: chr7-137016228-C-A. GRCh37 (hg19) VCF-style: chr7-136700975-C-A.
Other names: c.1363C>A, p.Leu455Ile (NM_000739.3, NM_001006626.3, NM_001006627.3 and 6 more transcripts); short protein forms L455I.
Identifiers: ClinVar variation 1485284 (VCV001485284.6), dbSNP rs1470994649, ClinGen allele CA369488557.
Genomic context (GRCh38, chr7:137,016,228, plus strand): 5'-ATCAACCCTGCCTGCTATGCACTTTGCAATGCCACCTTCAAGAAGACCTTTAAACACCTT[C>A]TCATGTGTCATTATAAGAACATAGGCGCTACAAGGTAAAATATCTTTGAAAAAGATAGAA-3'
Protein context (NP_001006631.1, residues 445-465): ATFKKTFKHL[Leu455Ile]MCHYKNIGAT